The following is an entry in ClinVar:

ClinVar aggregate classification (germline): Benign/Likely benign. Review status: criteria provided, multiple submitters, no conflicts (2 of 4 stars). 15 submissions from 15 submitters: Benign (6); Likely benign (5). 4 of the submissions do not count toward it. Last evaluated 2026-09-01.

Conditions:
Charcot-Marie-Tooth disease type 2. Also called: Charcot-Marie-Tooth type 2. Identifiers: Orphanet 64746, MedGen C0270914, MONDO:0018993.
Charcot-Marie-Tooth disease axonal type 2N (CMT2N). Also called: Charcot-Marie-Tooth Neuropathy Type 2N; CHARCOT-MARIE-TOOTH DISEASE, AXONAL, AUTOSOMAL DOMINANT, TYPE 2N; CHARCOT-MARIE-TOOTH NEUROPATHY, AXONAL, TYPE 2N. Identifiers: Orphanet 228174, MedGen C2750090, MONDO:0013212, OMIM 613287.

Allele frequency attached by ClinVar (database versions not stated): 1000 Genomes Project 30x 0.00328; 1000 Genomes Project 0.00339; ExAC 0.00531; gnomAD exomes 0.00540 and 0.00859; gnomAD 0.00557 and 0.00591; TOPMed 0.00564; ESP Exome Variant Server 0.00631.
gnomAD v4.1: 13,379 of 1,612,750 alleles (0.83%); highest among the groups gnomAD compares: Non-Finnish European, 1%; 92 homozygotes.

Submissions (15):

CeGaT Center for Human Genetics Tuebingen
Classification: Benign. Last evaluated: 2026-09-01. Review status: criteria provided, single submitter. Criteria: CeGaT Center For Human Genetics Tuebingen Variant Classification Criteria Version 2. Collection method: clinical testing. Allele origin: germline. Affected: yes. Observed: 108 variant alleles.
Comment: AARS1: BS1, BS2

Labcorp Genetics (formerly Invitae), Labcorp
Classification: Benign for Charcot-Marie-Tooth disease type 2. Last evaluated: 2026-02-03. Review status: criteria provided, single submitter. Criteria: Invitae Variant Classification Sherloc (09022015). Collection method: clinical testing. Allele origin: germline.

ARUP Laboratories, Molecular Genetics and Genomics, ARUP Laboratories
Classification: Benign. Last evaluated: 2025-03-14. Review status: criteria provided, single submitter. Criteria: ARUP Molecular Germline Variant Investigation Process 2024. Collection method: clinical testing. Allele origin: germline.

Blueprint Genetics
Classification: Likely benign. Last evaluated: 2024-11-27. Review status: criteria provided, single submitter. Criteria: ACMG Guidelines, 2015. Collection method: clinical testing. Allele origin: germline.

Mendelics
Classification: Likely benign for Charcot-Marie-Tooth disease axonal type 2N. Last evaluated: 2019-05-28. Review status: criteria provided, single submitter. Criteria: Mendelics Assertion Criteria 2017. Collection method: clinical testing. Allele origin: unknown.

Illumina Laboratory Services, Illumina
Classification: Benign for Charcot-Marie-Tooth disease axonal type 2N. Last evaluated: 2018-01-12. Review status: criteria provided, single submitter. Criteria: ICSL Variant Classification Criteria 13 December 2019. Collection method: clinical testing. Allele origin: germline.
Comment: This variant was observed in the ICSL laboratory as part of a predisposition screen in an ostensibly healthy population. It had not been previously curated by ICSL or reported in the Human Gene Mutation Database (HGMD: prior to June 1st, 2018), and was therefore a candidate for classification through an automated scoring system. Utilizing variant allele frequency, disease prevalence and penetrance estimates, and inheritance mode, an automated score was calculated to assess if this variant is too frequent to cause the disease. Based on the score and internal cut-off values, a variant classified as benign is not then subjected to further curation. The score for this variant resulted in a classification of benign for this disease.

Institute for Genomic Medicine (IGM) Clinical Laboratory, Nationwide Children's Hospital
Classification: Likely benign. Last evaluated: 2017-03-06. Review status: criteria provided, single submitter. Criteria: ACMG Guidelines, 2015. Collection method: clinical testing. Allele origin: germline.
Comment: BS1, BP4, BP6; This alteration has an allele frequency that is greater than expected for the associated disease, is predicted to be tolerated by multiple functional prediction tools, and was reported as a benign/likely benign alteration by a reputable source (ClinVar or other correspondence from a clinical testing laboratory).

Mayo Clinic Laboratories, Mayo Clinic
Classification: Benign. Last evaluated: 2016-04-07. Review status: criteria provided, single submitter. Criteria: ACMG Guidelines, 2015. Collection method: clinical testing. Allele origin: germline. Observed: 38 variant alleles.

Genome Diagnostics Laboratory, University Medical Center Utrecht
Classification: Likely benign for Charcot-Marie-Tooth disease axonal type 2N. Last evaluated: 2016-04-06. Review status: criteria provided, single submitter. Criteria: ACGS Guidelines, 2013. Collection method: clinical testing. Allele origin: germline. Affected: yes. Study: VKGL Data-share Consensus.

GeneDx
Classification: Benign. Last evaluated: 2015-03-03. Review status: criteria provided, single submitter. Criteria: GeneDx Variant Classification Process June 2021. Collection method: clinical testing. Allele origin: germline. Affected: yes.

Breakthrough Genomics
Classification: Likely benign. Review status: criteria provided, single submitter. Criteria: ACMG Guidelines, 2015. Collection method: not provided. Allele origin: germline. Inheritance: Autosomal recessive inheritance. Affected: yes.

Clinical Genetics DNA and cytogenetics Diagnostics Lab, Erasmus MC, Erasmus Medical Center
Classification: Likely benign. Review status: no assertion criteria provided. Collection method: clinical testing. Allele origin: germline. Affected: yes. Study: VKGL Data-share Consensus. Not counted in ClinVar's aggregate classification.

Clinical Genetics, Academic Medical Center
Classification: Benign. Review status: no assertion criteria provided. Collection method: clinical testing. Allele origin: germline. Affected: yes. Study: VKGL Data-share Consensus. Not counted in ClinVar's aggregate classification.

Laboratory of Diagnostic Genome Analysis, Leiden University Medical Center (LUMC)
Classification: Likely benign. Review status: no assertion criteria provided. Collection method: clinical testing. Allele origin: germline. Affected: yes. Study: VKGL Data-share Consensus. Not counted in ClinVar's aggregate classification.

Northcott Neuroscience Laboratory, ANZAC Research Institute
Classification: Benign. Review status: no assertion criteria provided. Collection method: not provided. Allele origin: unknown. Not counted in ClinVar's aggregate classification.
Comment: CMT + Pyramidal signs
ClinVar note: Converted during submission from non-pathogenic to Benign.

NM_001605.3(AARS1):c.1685C>T (p.Thr562Ile)

Gene: AARS1 (alanyl-tRNA synthetase 1; minus strand). Cytogenetic location: 16q22.1.
Variant type: single nucleotide variant.
Coding change: c.1685C>T on transcript NM_001605.3 (MANE Select); coding-DNA position 1685, C replaced by T.
Protein change: p.Thr562Ile; replaces threonine 562 with isoleucine.
Molecular consequence: missense variant.
Genome position (GRCh38, 1-based): chr16:70,261,144, G>A on the plus strand (C>T on the coding strand, the complement: AARS1 is on the minus strand). VCF-style: chr16-70261144-G-A. GRCh37 (hg19) VCF-style: chr16-70295047-G-A.
Other names: p.Thr562Ile; short protein forms T562I.
Identifiers: ClinVar variation 155733 (VCV000155733.79), dbSNP rs148355156, ClinGen allele CA233062.
Genomic context (GRCh38, chr16:70,261,144, plus strand): 5'-TCACCGTAGATGGTTCCAATGTGTAGCACATACCCTCCTCGGACCTGAGCATTCTTCACT[G>A]TAAACTCTGTTTTCTAAGAGGGGTCAAGGAAGAGACCAATAAATAAATCCTTAAAAACAT-3'
Protein context (NP_001596.2, residues 552-572): DDSSEDKTEF[Thr562Ile]VKNAQVRGGY